The following is an entry in ClinVar:

NM_001386140.1(MTTP):c.2230C>T (p.Gln744Ter)

Gene: MTTP (microsomal triglyceride transfer protein; plus strand). Cytogenetic location: 4q23.
Variant type: single nucleotide variant.
Coding change: c.2230C>T on transcript NM_001386140.1 (MANE Select); coding-DNA position 2230, C replaced by T.
Protein change: p.Gln744Ter; replaces glutamine 744 with a stop codon.
Molecular consequence: nonsense.
Genome position (GRCh38, 1-based): chr4:99,618,986, C>T. VCF-style: chr4-99618986-C-T. GRCh37 (hg19) VCF-style: chr4-100540143-C-T.
Other names: c.2230C>T, p.Gln744Ter (NM_000253.4); c.1981C>T, p.Gln661Ter (NM_001300785.2); short protein forms Q744*, Q661*.
Identifiers: ClinVar variation 4763203 (VCV004763203.2).

ClinVar aggregate classification (germline): Pathogenic. Review status: criteria provided, multiple submitters, no conflicts (2 of 4 stars). 2 submissions from 2 submitters: Pathogenic (2). Last evaluated 2025-11-20.

Conditions:
Abetalipoproteinaemia (ABL). Also called: MTP DEFICIENCY; Abetalipoproteinemia; Abetalipoproteinemia neuropathy; Apolipoprotein B deficiency; Congenital betalipoprotein deficiency syndrome. Identifiers: Orphanet 14, MedGen C0000744, MONDO:0008692, OMIM 200100, HP:0008181.

gnomAD v4.1: 3 of 1,612,090 alleles (0.00019%); highest among the groups gnomAD compares: Non-Finnish European, 0.00025%; no homozygotes.

Submissions (2):

Labcorp Genetics (formerly Invitae), Labcorp
Classification: Pathogenic. Last evaluated: 2025-11-20. Review status: criteria provided, single submitter. Criteria: Invitae Variant Classification Sherloc (09022015). Collection method: clinical testing. Allele origin: germline.
Comment: This sequence change creates a premature translational stop signal (p.Gln744*) in the MTTP gene. It is expected to result in an absent or disrupted protein product. Loss-of-function variants in MTTP are known to be pathogenic (PMID: 8533758, 9671739). This variant is not present in population databases (gnomAD no frequency). This variant has not been reported in the literature in individuals affected with MTTP-related conditions. For these reasons, this variant has been classified as Pathogenic.

Myriad Genetics, Inc.
Classification: Pathogenic for Abetalipoproteinaemia. Last evaluated: 2025-09-14. Review status: criteria provided, single submitter. Criteria: Myriad Autosomal Dominant, Autosomal Recessive and X-Linked Classification Criteria (2023). Collection method: clinical testing. Allele origin: unknown.
Comment: NM_000253.2(MTTP):c.2230C>T(Q744*) is expected to be pathogenic in the context of abetalipoproteinemia. This variant is predicted to lead to an abnormal or absent protein product due to the creation of a premature termination codon in MTTP, a gene where loss-of-function variants are known to be pathogenic. Please note: this variant was assessed in the context of healthy population screening.

Literature cited by the submitters: PubMed 8533758 (cited by Labcorp Genetics (formerly Invitae), Labcorp); PubMed 9671739 (cited by Labcorp Genetics (formerly Invitae), Labcorp).